The following is an entry in ClinVar:

NM_001184880.2(PCDH19):c.3029C>G (p.Pro1010Arg)

Gene: PCDH19 (protocadherin 19; minus strand). Cytogenetic location: Xq22.1.
Variant type: single nucleotide variant.
Coding change: c.3029C>G on transcript NM_001184880.2 (MANE Select); coding-DNA position 3029, C replaced by G.
Protein change: p.Pro1010Arg; replaces proline 1010 with arginine.
Molecular consequence: missense variant.
Genome position (GRCh38, 1-based): chrX:100,296,695, G>C on the plus strand (C>G on the coding strand, the complement: PCDH19 is on the minus strand). VCF-style: chrX-100296695-G-C. GRCh37 (hg19) VCF-style: chrX-99551693-G-C.
Other names: c.2888C>G, p.Pro963Arg (NM_001105243.2); c.2885C>G, p.Pro962Arg (NM_020766.3); short protein forms P963R, P962R, P1010R.
Identifiers: ClinVar variation 4764681 (VCV004764681.1).
Genomic context (GRCh38, chrX:100,296,695, plus strand): 5'-CTCTCCTCAGCCGGGTGGTCGCTGACATCTTTCCCAAAGGTTGCGAAAGTCCGTTTGGTG[G>C]GGCCGCAGTCGTCATAAGCCTCGACATCAGCAGCAGTAGCTTCAATAGACAGCGCGATGA-3'
Protein context (NP_001171809.1, residues 1000-1020): ADVEAYDDCG[Pro1010Arg]TKRTFATFGK

ClinVar aggregate classification (germline): Uncertain significance (1 of 4 stars; one submission).

Conditions:
Developmental and epileptic encephalopathy, 9 (DEE9). Also called: JUBERG-HELLMAN SYNDROME; PCDH19-Related X-Linked Female-Limited Epilepsy with Mental Retardation; Early infantile epileptic encephalopathy 9; EPILEPSY, FEMALE-RESTRICTED, WITH MENTAL RETARDATION. Identifiers: Orphanet 101039, Orphanet 2076, MedGen C1848137, MONDO:0010246, OMIM 300088. Disease mechanism: loss of function.

Submission:

Labcorp Genetics (formerly Invitae), Labcorp
Classification: Uncertain significance for Developmental and epileptic encephalopathy, 9. Last evaluated: 2025-02-26. Review status: criteria provided, single submitter. Criteria: Invitae Variant Classification Sherloc (09022015). Collection method: clinical testing. Allele origin: germline.
Comment: This sequence change replaces proline, which is neutral and non-polar, with arginine, which is basic and polar, at codon 1010 of the PCDH19 protein (p.Pro1010Arg). This variant is not present in population databases (gnomAD no frequency). This variant has not been reported in the literature in individuals affected with PCDH19-related conditions. Invitae Evidence Modeling of protein sequence and biophysical properties (such as structural, functional, and spatial information, amino acid conservation, physicochemical variation, residue mobility, and thermodynamic stability) indicates that this missense variant is not expected to disrupt PCDH19 protein function with a negative predictive value of 95%. In summary, the available evidence is currently insufficient to determine the role of this variant in disease. Therefore, it has been classified as a Variant of Uncertain Significance.